The following is an entry in ClinVar:

NM_004415.4(DSP):c.1701+186C>G

Gene: DSP (desmoplakin; plus strand). Cytogenetic location: 6p24.3.
Variant type: single nucleotide variant.
Coding change: c.1701+186C>G on transcript NM_004415.4 (MANE Select); 186 bases into the intron after coding-DNA position 1701, C replaced by G.
Molecular consequence: intron variant.
Genome position (GRCh38, 1-based): chr6:7,570,749, C>G. VCF-style: chr6-7570749-C-G. GRCh37 (hg19) VCF-style: chr6-7570982-C-G.
Other names: NC_000006.11:g.7570982C>G; c.1701+186C>G (NM_001319034.2, NM_001008844.3).
Identifiers: ClinVar variation 672395 (VCV000672395.2), dbSNP rs58040819, ClinGen allele CA12223690.

ClinVar aggregate classification (germline): Benign (1 of 4 stars; one submission).

Allele frequency attached by ClinVar (database versions not stated): 1000 Genomes Project 0.05351; gnomAD 0.11482; 1000 Genomes Project 30x 0.05356; TOPMed 0.10366.
gnomAD v4.1: 16,887 of 152,146 alleles (11%); highest among the groups gnomAD compares: Non-Finnish European, 15%; 1,139 homozygotes.

Submissions (3):

GeneDx
Classification: Benign. Last evaluated: 2018-06-18. Review status: criteria provided, single submitter. Criteria: GeneDx Variant Classification (06012015). Collection method: clinical testing. Allele origin: germline. Affected: yes.
Comment: This variant is considered likely benign or benign based on one or more of the following criteria: it is a conservative change, it occurs at a poorly conserved position in the protein, it is predicted to be benign by multiple in silico algorithms, and/or has population frequency not consistent with disease.

Dr. Peter K. Rogan Lab, Western University
No classification provided (evidence only). Condition: Uterine corpus endometrial carcinoma. Review status: no classification provided. Collection method: in vitro. Allele origin: not applicable. Functional consequence: retained intron. Not counted in ClinVar's aggregate classification.

Dr. Peter K. Rogan Lab, Western University
No classification provided (evidence only). Condition: Malignant tumor of esophagus. Review status: no classification provided. Collection method: in vitro. Allele origin: not applicable. Functional consequence: skipped exon, retained intron. Not counted in ClinVar's aggregate classification.